The following is an entry in ClinVar:

NM_002332.3(LRP1):c.11962_11965dup (p.Gly3989fs)

Gene: LRP1 (LDL receptor related protein 1; plus strand). Cytogenetic location: 12q13.3.
Variant type: Duplication.
Coding change: c.11962_11965dup on transcript NM_002332.3 (MANE Select); coding-DNA positions 11962 to 11965, 4 bases duplicated (AAGG; older notation c.11962_11965dupAAGG).
Protein change: p.Gly3989fs; shifts the reading frame from glycine 3989.
Molecular consequence: frameshift variant.
Genome position (GRCh38, 1-based): chr12:57,208,140-57,208,143, AAGG duplicated; duplicating any 4 consecutive bases within chr12:57,208,139-57,208,143 gives the same sequence; the c. name uses the placement nearest the transcript's 3' end. VCF-style (leftmost placement, unchanged base first): chr12-57208138-T-TGAAG. GRCh37 (hg19) VCF-style: chr12-57601921-T-TGAAG.
Other names: short protein forms G3989fs.
Identifiers: ClinVar variation 4976647 (VCV004976647.1).

ClinVar aggregate classification (germline): Uncertain significance (1 of 4 stars; one submission).

Submission:

GeneDx
Classification: Uncertain significance. Last evaluated: 2023-06-29. Review status: criteria provided, single submitter. Criteria: GeneDx Variant Classification Process June 2021. Collection method: clinical testing. Allele origin: germline.
Comment: Has not been previously published as pathogenic or benign to our knowledge; Frameshift variant predicted to result in protein truncation or nonsense mediated decay in a gene or region of a gene for which loss of function is not a well-established mechanism of disease; Not observed at significant frequency in large population cohorts (gnomAD); Variants in candidate genes are classified as variants of uncertain significance in accordance with ACMG guidelines (Richards et al., 2015)